The following is an entry in ClinVar:

ClinVar aggregate classification (germline): Uncertain significance (1 of 4 stars; one submission).

Conditions:
Early-infantile DEE. Also called: Ohtahara syndrome; Early infantile epileptic encephalopathy; Early infantile epileptic encephalopathy with suppression bursts. Identifiers: Orphanet 1934, MedGen C0393706, MONDO:0800491.

Allele frequency attached by ClinVar (database versions not stated): gnomAD 0.00001.
gnomAD v4.1: 2 of 151,186 alleles (0.0013%); highest among the groups gnomAD compares: African/African-American, 0.0048%; no homozygotes.

Submission:

Labcorp Genetics (formerly Invitae), Labcorp
Classification: Uncertain significance for Early-infantile DEE. Last evaluated: 2026-01-18. Review status: criteria provided, single submitter. Criteria: Invitae Variant Classification Sherloc (09022015). Collection method: clinical testing. Allele origin: germline.
Comment: This sequence change falls in intron 20 of the SCN1A gene. It does not directly change the encoded amino acid sequence of the SCN1A protein. However, this sequence change falls within a region encompassing a cryptic exon in the SCN1A gene, in which variants have been shown to alter splicing (PMID: 30526861, 34107977). This variant is not present in population databases (gnomAD no frequency). This variant has not been reported in the literature in individuals affected with SCN1A-related conditions. ClinVar contains an entry for this variant (Variation ID: 1529227). Algorithms developed to predict the effect of sequence changes on RNA splicing suggest that this variant is not likely to affect RNA splicing. In summary, the available evidence is currently insufficient to determine the role of this variant in disease. Therefore, it has been classified as a Variant of Uncertain Significance.

Literature cited by the submitters: PubMed 30526861; PubMed 34107977.

NM_001165963.4(SCN1A):c.4002+2407A>G

Genes: SCN1A (sodium voltage-gated channel alpha subunit 1; minus strand), LOC102724058 (uncharacterized LOC102724058; plus strand). Cytogenetic location: 2q24.3.
Variant type: single nucleotide variant.
Coding change: c.4002+2407A>G on transcript NM_001165963.4 (MANE Select); 2407 bases into the intron after coding-DNA position 4002, A replaced by G.
Molecular consequence: intron variant.
Genome position (GRCh38, 1-based): chr2:166,007,312, T>C on the plus strand (A>G on the coding strand, the complement: SCN1A is on the minus strand). VCF-style: chr2-166007312-T-C. GRCh37 (hg19) VCF-style: chr2-166863822-T-C.
Other names: c.3969+2407A>G (NM_001353949.2, NM_001353950.2, NM_001353951.2 and 2 more transcripts); c.3918+2407A>G (NM_001353958.2, NM_001353957.2, NM_001165964.3); c.4002+2407A>G (NM_001202435.3, NM_001353948.2); c.3966+2407A>G (NM_001353955.2, NM_001353954.2); c.3915+2407A>G (NM_001353960.2); c.1560+2407A>G (NM_001353961.2).
Identifiers: ClinVar variation 1529227 (VCV001529227.9), dbSNP rs1191367818, ClinGen allele CA760220758.